The following is an entry in ClinVar:

ClinVar aggregate classification (germline): Uncertain significance (1 of 4 stars; one submission).

Allele frequency attached by ClinVar (database versions not stated): gnomAD exomes below 0.00001.
gnomAD v4.1: 1 of 1,597,364 alleles (0.000063%); highest among the groups gnomAD compares: South Asian, 0.0011%; no homozygotes.

Submission:

Labcorp Genetics (formerly Invitae), Labcorp
Classification: Uncertain significance. Last evaluated: 2020-10-05. Review status: criteria provided, single submitter. Criteria: Invitae Variant Classification Sherloc (09022015). Collection method: clinical testing. Allele origin: germline.
Comment: In summary, the available evidence is currently insufficient to determine the role of this variant in disease. Therefore, it has been classified as a Variant of Uncertain Significance. Algorithms developed to predict the effect of missense changes on protein structure and function (SIFT, PolyPhen-2, Align-GVGD) all suggest that this variant is likely to be tolerated, but these predictions have not been confirmed by published functional studies and their clinical significance is uncertain. This variant has not been reported in the literature in individuals with WDR1-related conditions. This variant is not present in population databases (ExAC no frequency). This sequence change replaces lysine with arginine at codon 311 of the WDR1 protein (p.Lys311Arg). The lysine residue is moderately conserved and there is a small physicochemical difference between lysine and arginine.

NM_017491.5(WDR1):c.932A>G (p.Lys311Arg)

Gene: WDR1 (WD repeat domain 1; minus strand). Cytogenetic location: 4p16.1.
Variant type: single nucleotide variant.
Coding change: c.932A>G on transcript NM_017491.5 (MANE Select); coding-DNA position 932, A replaced by G.
Protein change: p.Lys311Arg; replaces lysine 311 with arginine.
Molecular consequence: missense variant.
Genome position (GRCh38, 1-based): chr4:10,087,726, T>C on the plus strand (A>G on the coding strand, the complement: WDR1 is on the minus strand). VCF-style: chr4-10087726-T-C. GRCh37 (hg19) VCF-style: chr4-10089350-T-C.
Other names: c.512A>G, p.Lys171Arg (NM_005112.5); short protein forms K171R, K311R.
Identifiers: ClinVar variation 1024374 (VCV001024374.5), dbSNP rs1711675918, ClinGen allele CA356361723.
Genomic context (GRCh38, chr4:10,087,726, plus strand): 5'-GTCCACCCAGCGGGCAGAGCCTTCCCCAGGGCAGGCCTTACCTTGATGACGTGCAGGGGC[T>C]TGCTGGGGTTGTTTCTGTCCAGATAGTTGATGTACCCGGACAGGGAGACACTGAGCAGGT-3'
Protein context (NP_059830.1, residues 301-321): INYLDRNNPS[Lys311Arg]PLHVIKGHSK